The following is an entry in ClinVar:

NM_025114.4(CEP290):c.948T>C (p.Ile316=)

Gene: CEP290 (centrosomal protein 290; minus strand). Cytogenetic location: 12q21.32.
Variant type: single nucleotide variant.
Coding change: c.948T>C on transcript NM_025114.4 (MANE Select); coding-DNA position 948, T replaced by C.
Protein change: p.Ile316=; no amino-acid change (isoleucine 316 retained).
Molecular consequence: synonymous variant.
Genome position (GRCh38, 1-based): chr12:88,126,433, A>G on the plus strand (T>C on the coding strand, the complement: CEP290 is on the minus strand). VCF-style: chr12-88126433-A-G. GRCh37 (hg19) VCF-style: chr12-88520210-A-G.
Other names: c.948T>C (NM_025114.3).
Identifiers: ClinVar variation 1103630 (VCV001103630.11), dbSNP rs767967987, ClinGen allele CA481052793.
Genomic context (GRCh38, chr12:88,126,433, plus strand): 5'-CTCCCTTAGGTTATGTAACATTTGCTGATACTCAATAATTTCATCATCTTTAGAAGACAA[A>G]ATTAGCTAGAAATAAACACAATAGAATCTGTTATGCAAAAGGAAAGTTAATAAAACATTC-3'
Protein context (NP_079390.3, residues 306-326): VNAKVEEWKL[Ile316=]LSSKDDEIIE

ClinVar aggregate classification (germline): Likely benign. Review status: criteria provided, multiple submitters, no conflicts (2 of 4 stars). 3 submissions from 3 submitters: Likely benign (2). 1 of the submissions does not count toward it. Last evaluated 2024-03-12.

Conditions:
CEP290-related disorder. Also called: CEP290-related condition; CEP290-related disorders. Identifiers: MedGen CN239314.
Joubert syndrome. Also called: JOUBERT-BOLTSHAUSER SYNDROME; Familial aplasia of the vermis. Identifiers: Orphanet 475, MedGen C5979921, MONDO:0018772.
Meckel-Gruber syndrome. Also called: DYSENCEPHALIA SPLANCHNOCYSTICA; GRUBER SYNDROME; Dysencephalia splachnocystica. Identifiers: Orphanet 564, MedGen C0265215, MONDO:0018921.
Nephronophthisis. Also called: Juvenile Nephronophthisis. Identifiers: Orphanet 655, MedGen C0687120, MONDO:0019005, HP:0000090.

Allele frequency attached by ClinVar (database versions not stated): gnomAD exomes below 0.00001.
gnomAD v4.1: 4 of 1,492,238 alleles (0.00027%); highest among the groups gnomAD compares: African/African-American, 0.0058%; no homozygotes.

Submissions (3):

Labcorp Genetics (formerly Invitae), Labcorp
Classification: Likely benign for Joubert syndrome; Meckel-Gruber syndrome; Nephronophthisis. Last evaluated: 2024-03-12. Review status: criteria provided, single submitter. Criteria: Invitae Variant Classification Sherloc (09022015). Collection method: clinical testing. Allele origin: germline.

Blueprint Genetics
Classification: Likely benign. Last evaluated: 2021-09-17. Review status: criteria provided, single submitter. Criteria: ACMG Guidelines, 2015. Collection method: clinical testing. Allele origin: germline.

PreventionGenetics, part of Exact Sciences
Classification: Likely benign for CEP290-related condition. Last evaluated: 2023-07-12. Review status: no assertion criteria provided. Collection method: clinical testing. Allele origin: germline. Not counted in ClinVar's aggregate classification.
Comment: This variant is classified as likely benign based on ACMG/AMP sequence variant interpretation guidelines (Richards et al. 2015 PMID: 25741868, with internal and published modifications).